The following is an entry in ClinVar:

NM_004863.4(SPTLC2):c.-43C>T

Gene: SPTLC2 (serine palmitoyltransferase long chain base subunit 2; minus strand). Cytogenetic location: 14q24.3.
Variant type: single nucleotide variant.
Coding change: c.-43C>T on transcript NM_004863.4 (MANE Select); 43 bases upstream of the start codon, C replaced by T.
Molecular consequence: 5 prime UTR variant.
Genome position (GRCh38, 1-based): chr14:77,616,622, G>A on the plus strand (C>T on the coding strand, the complement: SPTLC2 is on the minus strand). VCF-style: chr14-77616622-G-A. GRCh37 (hg19) VCF-style: chr14-78082965-G-A.
Identifiers: ClinVar variation 314685 (VCV000314685.6), dbSNP rs7155278, ClinGen allele CA7289541.
Genomic context (GRCh38, chr14:77,616,622, plus strand): 5'-TCCGGGCTCCGGCCGCATCTTCCTGGCAGCACCAGGCGCAAGGCAGGCTCTGTAGGCGGT[G>A]GCAGCGGCGGCGGCTGCTCCAAGTCCCGCTCCGCACCCCACCCACCTCCCCGAAACCGGA-3'

ClinVar aggregate classification (germline): Benign. Review status: criteria provided, multiple submitters, no conflicts (2 of 4 stars). 3 submissions from 3 submitters: Benign (3). Last evaluated 2018-01-12.

Conditions:
Neuropathy, hereditary sensory and autonomic, type 1C. Also called: HSAN IC; HSN IC. Identifiers: Orphanet 36386, MedGen C3150896, MONDO:0013337, OMIM 613640.

Allele frequency attached by ClinVar (database versions not stated): ExAC 0.00327; gnomAD exomes 0.00541; ESP Exome Variant Server 0.01541; gnomAD 0.02421 and 0.02570; TOPMed 0.02728; 1000 Genomes Project 0.02835; 1000 Genomes Project 30x 0.02904.
gnomAD v4.1: 6,884 of 1,523,404 alleles (0.45%); highest among the groups gnomAD compares: African/African-American, 8.4%; 283 homozygotes.

Submissions (3):

Illumina Laboratory Services, Illumina
Classification: Benign for Neuropathy, hereditary sensory and autonomic, type 1C. Last evaluated: 2018-01-12. Review status: criteria provided, single submitter. Criteria: ICSL Variant Classification Criteria 13 December 2019. Collection method: clinical testing. Allele origin: germline.
Comment: This variant was observed in the ICSL laboratory as part of a predisposition screen in an ostensibly healthy population. It had not been previously curated by ICSL or reported in the Human Gene Mutation Database (HGMD: prior to June 1st, 2018), and was therefore a candidate for classification through an automated scoring system. Utilizing variant allele frequency, disease prevalence and penetrance estimates, and inheritance mode, an automated score was calculated to assess if this variant is too frequent to cause the disease. Based on the score and internal cut-off values, a variant classified as benign is not then subjected to further curation. The score for this variant resulted in a classification of benign for this disease.

GeneDx
Classification: Benign. Last evaluated: 2015-07-22. Review status: criteria provided, single submitter. Criteria: GeneDx Variant Classification (06012015). Collection method: clinical testing. Allele origin: germline. Affected: yes.
Comment: This variant is considered likely benign or benign based on one or more of the following criteria: it is a conservative change, it occurs at a poorly conserved position in the protein, it is predicted to be benign by multiple in silico algorithms, and/or has population frequency not consistent with disease.

Breakthrough Genomics
Classification: Benign. Review status: criteria provided, single submitter. Criteria: ACMG Guidelines, 2015. Collection method: not provided. Allele origin: germline. Inheritance: Autosomal dominant inheritance. Affected: yes.